The following is an entry in ClinVar:

ClinVar aggregate classification (germline): Uncertain significance (1 of 4 stars; one submission).

Conditions:
Congenital myopathy with internal nuclei and atypical cores. Also called: Myopathy, centronuclear, 4. Identifiers: Orphanet 319160, MedGen C4707232, MONDO:0013890, OMIM 614807.

Allele frequency attached by ClinVar (database versions not stated): gnomAD 0.00001.
gnomAD v4.1: 3 of 1,611,680 alleles (0.00019%); highest among the groups gnomAD compares: African/African-American, 0.0013%; no homozygotes.

Submission:

Labcorp Genetics (formerly Invitae), Labcorp
Classification: Uncertain significance for Congenital myopathy with internal nuclei and atypical cores. Last evaluated: 2023-05-23. Review status: criteria provided, single submitter. Criteria: Invitae Variant Classification Sherloc (09022015). Collection method: clinical testing. Allele origin: germline.
Comment: In summary, the available evidence is currently insufficient to determine the role of this variant in disease. Therefore, it has been classified as a Variant of Uncertain Significance. Advanced modeling of protein sequence and biophysical properties (such as structural, functional, and spatial information, amino acid conservation, physicochemical variation, residue mobility, and thermodynamic stability) performed at Invitae indicates that this missense variant is not expected to disrupt CCDC78 protein function. ClinVar contains an entry for this variant (Variation ID: 1027132). This variant has not been reported in the literature in individuals affected with CCDC78-related conditions. This variant is present in population databases (no rsID available, gnomAD 0.004%). This sequence change replaces arginine, which is basic and polar, with glycine, which is neutral and non-polar, at codon 246 of the CCDC78 protein (p.Arg246Gly).

NM_001378030.1(CCDC78):c.736C>G (p.Arg246Gly)

Gene: CCDC78 (coiled-coil domain containing 78; minus strand). Cytogenetic location: 16p13.3.
Variant type: single nucleotide variant.
Coding change: c.736C>G on transcript NM_001378030.1 (MANE Select); coding-DNA position 736, C replaced by G.
Protein change: p.Arg246Gly; replaces arginine 246 with glycine.
Molecular consequence: missense variant. On other transcripts: non-coding transcript variant (5), intron variant (1).
Genome position (GRCh38, 1-based): chr16:724,710, G>C on the plus strand (C>G on the coding strand, the complement: CCDC78 is on the minus strand). VCF-style: chr16-724710-G-C. GRCh37 (hg19) VCF-style: chr16-774710-G-C.
Other names: c.736C>G, p.Arg246Gly (NM_001031737.3, NM_001378031.1); c.199-201C>G (NM_001378033.1); short protein forms R246G.
Identifiers: ClinVar variation 1027132 (VCV001027132.8), dbSNP rs749095737, ClinGen allele CA394101096.